The following is an entry in ClinVar:

ClinVar aggregate classification (germline): Uncertain significance (1 of 4 stars; one submission).

Submission:

GeneDx
Classification: Uncertain significance. Last evaluated: 2020-01-20. Review status: criteria provided, single submitter. Criteria: GeneDx Variant Classification Process June 2021. Collection method: clinical testing. Allele origin: germline. Affected: yes.
Comment: Not observed at a significant frequency in large population cohorts (Lek et al., 2016); In silico analysis, which includes protein predictors and evolutionary conservation, supports a deleterious effect; Has not been previously published as pathogenic or benign to our knowledge

NM_012414.4(RAB3GAP2):c.944TCT[1] (p.Phe316del)

Gene: RAB3GAP2 (RAB3 GTPase activating non-catalytic protein subunit 2; minus strand). Cytogenetic location: 1q41.
Variant type: Microsatellite.
Coding change: c.944TCT[1] on transcript NM_012414.4 (MANE Select); one copy of the 3-base unit TCT starting at c.944; the reference has two copies in a row; one copy, 3 bases deleted.
Protein change: p.Phe316del; deletes phenylalanine 316.
Molecular consequence: inframe deletion.
Genome position (GRCh38, 1-based): chr1:220,196,261-220,196,263, AGA deleted on the plus strand (TCT on the coding strand, the reverse complement: RAB3GAP2 is on the minus strand); deleting any 3 consecutive bases within chr1:220,196,261-220,196,268 gives the same sequence; the position shown is the placement nearest the transcript's 3' end. VCF-style (leftmost placement, unchanged base first): chr1-220196260-TAGA-T. GRCh37 (hg19) VCF-style: chr1-220369602-TAGA-T.
Other names: short protein forms F316del.
Identifiers: ClinVar variation 1309187 (VCV001309187.2), dbSNP rs1558151600, ClinGen allele CA529068061.
Genomic context (GRCh38, chr1:220,196,260, plus strand): 5'-ATTGTAAAATCAAGAGCAGCCTTACTCATGATCATTGATAAAACTCATACCTCTAAAGCA[TAGA>T]AGAAGCCAGTAAATGGATTGGACCCTACAGTGATATACTGAGACATGGCAGGTGGACTAT-3'